The following is an entry in ClinVar:

NM_000552.5(VWF):c.4207G>C (p.Gly1403Arg)

Gene: VWF (von Willebrand factor; minus strand). Cytogenetic location: 12p13.31.
Variant type: single nucleotide variant.
Coding change: c.4207G>C on transcript NM_000552.5 (MANE Select); coding-DNA position 4207, G replaced by C.
Protein change: p.Gly1403Arg; replaces glycine 1403 with arginine.
Molecular consequence: missense variant.
Genome position (GRCh38, 1-based): chr12:6,019,211, C>G on the plus strand (G>C on the coding strand, the complement: VWF is on the minus strand). VCF-style: chr12-6019211-C-G. GRCh37 (hg19) VCF-style: chr12-6128377-C-G.
Other names: short protein forms G1403R.
Identifiers: ClinVar variation 4685625 (VCV004685625.1).

ClinVar aggregate classification (germline): Uncertain significance (1 of 4 stars; one submission).

Submission:

ARUP Laboratories, Molecular Genetics and Genomics, ARUP Laboratories
Classification: Uncertain significance. Last evaluated: 2025-02-18. Review status: criteria provided, single submitter. Criteria: ARUP Molecular Germline Variant Investigation Process 2024. Collection method: clinical testing. Allele origin: germline.
Comment: The VWF c.4207G>C; p.Gly1403Arg variant, to our knowledge, is not reported in the medical literature or gene specific databases. This variant is also absent from the Genome Aggregation Database (v2.1.1), indicating it is not a common polymorphism. Computational analyses are uncertain whether this variant is neutral or deleterious (REVEL: 0.478). Due to limited information, the clinical significance of this variant is uncertain at this time.